The following is an entry in ClinVar:

ClinVar aggregate classification (germline): Uncertain significance (1 of 4 stars; one submission).

Conditions:
Severe myoclonic epilepsy in infancy (DRVT). Also called: SEVERE MYOCLONIC EPILEPSY OF INFANCY; DEVELOPMENTAL AND EPILEPTIC ENCEPHALOPATHY 6A; Dravet syndrome; Epileptic encephalopathy, early infantile, 6 (Dravet syndrome); Severe Myoclonic Epilepsy in Infancy (SMEI). Identifiers: Orphanet 33069, MedGen C0751122, MONDO:0100135, OMIM 607208.

Submission:

Labcorp Genetics (formerly Invitae), Labcorp
Classification: Uncertain significance for Severe myoclonic epilepsy in infancy. Last evaluated: 2019-08-25. Review status: criteria provided, single submitter. Criteria: Invitae Variant Classification Sherloc (09022015). Collection method: clinical testing. Allele origin: germline.
Comment: Algorithms developed to predict the effect of missense changes on protein structure and function are either unavailable or do not agree on the potential impact of this missense change (SIFT: "Deleterious"; PolyPhen-2: "Benign"; Align-GVGD: "Class C65"). In summary, the available evidence is currently insufficient to determine the role of this variant in disease. Therefore, it has been classified as a Variant of Uncertain Significance. This variant has not been reported in the literature in individuals with SNX27-related conditions. This variant is not present in population databases (ExAC no frequency). This sequence change replaces threonine with lysine at codon 286 of the SNX27 protein (p.Thr286Lys). The threonine residue is highly conserved and there is a moderate physicochemical difference between threonine and lysine.

NM_001330723.2(SNX27):c.857C>A (p.Thr286Lys)

Gene: SNX27 (sorting nexin 27; plus strand). Cytogenetic location: 1q21.3.
Variant type: single nucleotide variant.
Coding change: c.857C>A on transcript NM_001330723.2 (MANE Select); coding-DNA position 857, C replaced by A.
Protein change: p.Thr286Lys; replaces threonine 286 with lysine.
Molecular consequence: missense variant.
Genome position (GRCh38, 1-based): chr1:151,662,221, C>A. VCF-style: chr1-151662221-C-A. GRCh37 (hg19) VCF-style: chr1-151634697-C-A.
Other names: c.857C>A, p.Thr286Lys (NM_030918.6); short protein forms T286K.
Identifiers: ClinVar variation 941375 (VCV000941375.10), dbSNP rs540042464, ClinGen allele CA341962013.